The following is an entry in ClinVar:

NM_032492.4(JAGN1):c.443T>C (p.Met148Thr)

Gene: JAGN1 (jagunal homolog 1; plus strand). Cytogenetic location: 3p25.3.
Variant type: single nucleotide variant.
Coding change: c.443T>C on transcript NM_032492.4 (MANE Select); coding-DNA position 443, T replaced by C.
Protein change: p.Met148Thr; replaces methionine 148 with threonine.
Molecular consequence: missense variant.
Genome position (GRCh38, 1-based): chr3:9,893,268, T>C. VCF-style: chr3-9893268-T-C. GRCh37 (hg19) VCF-style: chr3-9934952-T-C.
Other names: c.281T>C, p.Met94Thr (NM_001363890.1); short protein forms M94T, M148T.
Identifiers: ClinVar variation 1503991 (VCV001503991.4), dbSNP rs752997945, ClinGen allele CA2245896.

ClinVar aggregate classification (germline): Uncertain significance (1 of 4 stars; one submission).

Conditions:
Autosomal recessive severe congenital neutropenia due to JAGN1 deficiency. Also called: Severe congenital neutropenia 6, autosomal recessive. Identifiers: Orphanet 423384, MedGen C4014954, MONDO:0014456, OMIM 616022.

Allele frequency attached by ClinVar (database versions not stated): ExAC 0.00001; gnomAD exomes 0.00001; TOPMed 0.00001; gnomAD 0.00002.

Submission:

Labcorp Genetics (formerly Invitae), Labcorp
Classification: Uncertain significance for Autosomal recessive severe congenital neutropenia due to JAGN1 deficiency. Last evaluated: 2021-08-09. Review status: criteria provided, single submitter. Criteria: Invitae Variant Classification Sherloc (09022015). Collection method: clinical testing. Allele origin: germline.
Comment: In summary, the available evidence is currently insufficient to determine the role of this variant in disease. Therefore, it has been classified as a Variant of Uncertain Significance. Algorithms developed to predict the effect of missense changes on protein structure and function are either unavailable or do not agree on the potential impact of this missense change (SIFT: "Deleterious"; PolyPhen-2: "Benign"; Align-GVGD: "Class C0"). This variant has not been reported in the literature in individuals affected with JAGN1-related conditions. This variant is present in population databases (rs752997945, ExAC 0.01%). This sequence change replaces methionine with threonine at codon 148 of the JAGN1 protein (p.Met148Thr). The methionine residue is moderately conserved and there is a moderate physicochemical difference between methionine and threonine.